The following is an entry in ClinVar:

ClinVar aggregate classification (germline): Uncertain significance (1 of 4 stars; one submission).

Conditions:
Ehlers-Danlos syndrome, type 4 (EDSVASC). Also called: Ehlers-Danlos syndrome vascular type; Ehlers Danlos syndrome, ecchymotic type; Ehlers Danlos syndrome, arterial type; Ehlers Danlos syndrome, Sack-Barabas type; Ehlers-Danlos Syndrome Type IV. Identifiers: Orphanet 286, MedGen C0268338, MONDO:0017314, OMIM 130050.

Submission:

Labcorp Genetics (formerly Invitae), Labcorp
Classification: Uncertain significance for Ehlers-Danlos syndrome, type 4. Last evaluated: 2021-05-04. Review status: criteria provided, single submitter. Criteria: Invitae Variant Classification Sherloc (09022015). Collection method: clinical testing. Allele origin: germline.
Comment: This sequence change replaces proline with glutamine at codon 1178 of the COL3A1 protein (p.Pro1178Gln). The proline residue is highly conserved and there is a moderate physicochemical difference between proline and glutamine. Advanced modeling of protein sequence and biophysical properties (such as structural, functional, and spatial information, amino acid conservation, physicochemical variation, residue mobility, and thermodynamic stability) performed at Invitae indicates that this missense variant is not expected to disrupt COL3A1 protein function. This variant is not present in population databases (ExAC no frequency). This variant has not been reported in the literature in individuals with COL3A1-related conditions. In summary, the available evidence is currently insufficient to determine the role of this variant in disease. Therefore, it has been classified as a Variant of Uncertain Significance.

NM_000090.4(COL3A1):c.3533C>A (p.Pro1178Gln)

Gene: COL3A1 (collagen type III alpha 1 chain; plus strand). Cytogenetic location: 2q32.2.
Variant type: single nucleotide variant.
Coding change: c.3533C>A on transcript NM_000090.4 (MANE Select); coding-DNA position 3533, C replaced by A.
Protein change: p.Pro1178Gln; replaces proline 1178 with glutamine.
Molecular consequence: missense variant.
Genome position (GRCh38, 1-based): chr2:189,008,931, C>A. VCF-style: chr2-189008931-C-A. GRCh37 (hg19) VCF-style: chr2-189873657-C-A.
Other names: short protein forms P1178Q.
Identifiers: ClinVar variation 1511873 (VCV001511873.8), dbSNP rs2153504073, ClinGen allele CA349846588.